The following is an entry in ClinVar:

ClinVar aggregate classification (germline): Uncertain significance (1 of 4 stars; one submission).

Submission:

GeneDx
Classification: Uncertain significance. Last evaluated: 2026-03-18. Review status: criteria provided, single submitter. Criteria: GeneDx Variant Classification Process June 2021. Collection method: clinical testing. Allele origin: germline.
Comment: Not observed at significant frequency in large population cohorts (gnomAD); In silico analysis suggests that this missense variant does not alter protein structure/function; Has not been previously published as pathogenic or benign to our knowledge

NM_016953.4(PDE11A):c.942G>T (p.Lys314Asn)

Gene: PDE11A (phosphodiesterase 11A; minus strand). Cytogenetic location: 2q31.2.
Variant type: single nucleotide variant.
Coding change: c.942G>T on transcript NM_016953.4 (MANE Select); coding-DNA position 942, G replaced by T.
Protein change: p.Lys314Asn; replaces lysine 314 with asparagine.
Molecular consequence: missense variant.
Genome position (GRCh38, 1-based): chr2:178,014,431, C>A on the plus strand (G>T on the coding strand, the complement: PDE11A is on the minus strand). VCF-style: chr2-178014431-C-A. GRCh37 (hg19) VCF-style: chr2-178879158-C-A.
Other names: c.192G>T, p.Lys64Asn (NM_001077197.2); short protein forms K64N, K314N.
Identifiers: ClinVar variation 5009403 (VCV005009403.1).